The following is an entry in ClinVar:

ClinVar aggregate classification (germline): Pathogenic (1 of 4 stars; one submission).

Conditions:
Autosomal recessive nonsyndromic hearing loss 1A (DFNB1A). Also called: GJB6-Related DFNB 1 Nonsyndromic Hearing Loss and Deafness; Nonsyndromic Hearing Loss and Deafness, DFNB1; GJB2-Related Autosomal Recessive Nonsyndromic Hearing Loss; Deafness, autosomal recessive 1A; Connexin 26 deafness; Deafness nonsyndromic, Connexin 26 linked. Identifiers: Orphanet 90636, MedGen C2673759, MONDO:0009076, OMIM 220290.

Submission:

Institute of Rare Diseases, West China Hospital, Sichuan University
Classification: Pathogenic for Autosomal recessive nonsyndromic hearing loss 1A. Last evaluated: 2025-01-09. Review status: criteria provided, single submitter. Criteria: ClinGen HL ACMG Specifications v1. Collection method: research. Allele origin: germline. Affected: yes.
Comment: PVS1;PM3;PP1;PM2_Supporting;PS1

NM_004004.6(GJB2):c.8G>A (p.Trp3Ter)

Gene: GJB2 (gap junction protein beta 2; minus strand). Cytogenetic location: 13q12.11.
Variant type: single nucleotide variant.
Coding change: c.8G>A on transcript NM_004004.6 (MANE Select); coding-DNA position 8, G replaced by A.
Protein change: p.Trp3Ter; replaces tryptophan 3 with a stop codon.
Molecular consequence: nonsense.
Genome position (GRCh38, 1-based): chr13:20,189,574, C>T on the plus strand (G>A on the coding strand, the complement: GJB2 is on the minus strand). VCF-style: chr13-20189574-C-T. GRCh37 (hg19) VCF-style: chr13-20763713-C-T.
Other names: short protein forms W3*.
Identifiers: ClinVar variation 3601151 (VCV003601151.1).